The following is an entry in ClinVar:

ClinVar aggregate classification (germline): Uncertain significance. Review status: criteria provided, multiple submitters, no conflicts (2 of 4 stars). 3 submissions from 3 submitters: Uncertain significance (3). Last evaluated 2024-12-08.

Allele frequency attached by ClinVar (database versions not stated): gnomAD exomes 0.00001; TOPMed 0.00002; ExAC 0.00003; gnomAD 0.00005; 1000 Genomes Project 30x 0.00078; 1000 Genomes Project 0.00080.
gnomAD v4.1: 22 of 1,613,982 alleles (0.0014%); highest among the groups gnomAD compares: Admixed American, 0.035%; no homozygotes.

Submissions (3):

Ambry Genetics
Classification: Uncertain significance. Last evaluated: 2024-12-08. Review status: criteria provided, single submitter. Criteria: Ambry Variant Classification Scheme 2023. Collection method: clinical testing. Allele origin: germline.
Comment: The p.N275K variant (also known as c.825T>G), located in coding exon 1 of the TET2 gene, results from a T to G substitution at nucleotide position 825. The asparagine at codon 275 is replaced by lysine, an amino acid with similar properties. This amino acid position is conserved. In addition, this alteration is predicted to be tolerated by in silico analysis. Based on the available evidence, the clinical significance of this variant remains unclear.

Mayo Clinic Laboratories, Mayo Clinic
Classification: Uncertain significance. Last evaluated: 2023-09-14. Review status: criteria provided, single submitter. Criteria: ACMG Guidelines, 2015. Collection method: clinical testing. Allele origin: germline. Observed: 3 variant alleles.
Comment: BP4

Labcorp Genetics (formerly Invitae), Labcorp
Classification: Uncertain significance. Last evaluated: 2022-10-27. Review status: criteria provided, single submitter. Criteria: Invitae Variant Classification Sherloc (09022015). Collection method: clinical testing. Allele origin: germline.
Comment: This sequence change replaces asparagine, which is neutral and polar, with lysine, which is basic and polar, at codon 275 of the TET2 protein (p.Asn275Lys). This variant is present in population databases (rs533449541, gnomAD 0.02%). This variant has not been reported in the literature in individuals affected with TET2-related conditions. Algorithms developed to predict the effect of missense changes on protein structure and function output the following: SIFT: "Tolerated"; PolyPhen-2: "Benign"; Align-GVGD: "Class C0". The lysine amino acid residue is found in multiple mammalian species, which suggests that this missense change does not adversely affect protein function. In summary, the available evidence is currently insufficient to determine the role of this variant in disease. Therefore, it has been classified as a Variant of Uncertain Significance.

NM_001127208.3(TET2):c.825T>G (p.Asn275Lys)

Genes: TET2 (tet methylcytosine dioxygenase 2; plus strand), TET2-AS1 (TET2 antisense RNA 1; minus strand). Cytogenetic location: 4q24.
Variant type: single nucleotide variant.
Coding change: c.825T>G on transcript NM_001127208.3 (MANE Select); coding-DNA position 825, T replaced by G.
Protein change: p.Asn275Lys; replaces asparagine 275 with lysine.
Molecular consequence: missense variant.
Genome position (GRCh38, 1-based): chr4:105,234,767, T>G. VCF-style: chr4-105234767-T-G. GRCh37 (hg19) VCF-style: chr4-106155924-T-G.
Other names: p.Asn275Lys; c.825T>G, p.Asn275Lys (NM_017628.4); short protein forms N275K.
Identifiers: ClinVar variation 2143552 (VCV002143552.3), dbSNP rs533449541, ClinGen allele CA3031571.